The following is an entry in ClinVar:

ClinVar aggregate classification (germline): Uncertain significance (1 of 4 stars; one submission).

gnomAD v4.1: 3 of 1,600,066 alleles (0.00019%); highest among the groups gnomAD compares: Non-Finnish European, 0.00017%; no homozygotes.

Submission:

GeneDx
Classification: Uncertain significance. Last evaluated: 2024-09-05. Review status: criteria provided, single submitter. Criteria: GeneDx Variant Classification Process June 2021. Collection method: clinical testing. Allele origin: germline. Affected: yes.
Comment: Not observed at significant frequency in large population cohorts (gnomAD); In silico analysis supports that this missense variant has a deleterious effect on protein structure/function; Has not been previously published as pathogenic or benign to our knowledge

NM_032108.4(SEMA6B):c.1810G>A (p.Val604Met)

Gene: SEMA6B (semaphorin 6B; minus strand). Cytogenetic location: 19p13.3.
Variant type: single nucleotide variant.
Coding change: c.1810G>A on transcript NM_032108.4 (MANE Select); coding-DNA position 1810, G replaced by A.
Protein change: p.Val604Met; replaces valine 604 with methionine.
Molecular consequence: missense variant.
Genome position (GRCh38, 1-based): chr19:4,544,458, C>T on the plus strand (G>A on the coding strand, the complement: SEMA6B is on the minus strand). VCF-style: chr19-4544458-C-T. GRCh37 (hg19) VCF-style: chr19-4544470-C-T.
Other names: short protein forms V604M.
Identifiers: ClinVar variation 3767721 (VCV003767721.1).